The following is an entry in ClinVar:

NM_001846.4(COL4A2):c.1624G>A (p.Gly542Arg)

Genes: COL4A2 (collagen type IV alpha 2 chain; plus strand), COL4A2-AS2 (COL4A2 antisense RNA 2; minus strand). Cytogenetic location: 13q34.
Variant type: single nucleotide variant.
Coding change: c.1624G>A on transcript NM_001846.4 (MANE Select); coding-DNA position 1624, G replaced by A.
Protein change: p.Gly542Arg; replaces glycine 542 with arginine.
Molecular consequence: missense variant.
Genome position (GRCh38, 1-based): chr13:110,462,141, G>A. VCF-style: chr13-110462141-G-A. GRCh37 (hg19) VCF-style: chr13-111114488-G-A.
Other names: c.1624G>A (NM_001846.2); short protein forms G542R.
Identifiers: ClinVar variation 1354401 (VCV001354401.7), dbSNP rs534644575, ClinGen allele CA388738361.

ClinVar aggregate classification (germline): Uncertain significance. Review status: criteria provided, multiple submitters, no conflicts (2 of 4 stars). 2 submissions from 2 submitters: Uncertain significance (2). Last evaluated 2025-08-27.

Conditions:
Inborn genetic diseases. Identifiers: MedGen C0950123, MeSH D030342.

gnomAD v4.1: 2 of 1,614,222 alleles (0.00012%); highest among the groups gnomAD compares: Non-Finnish European, 0.00017%; no homozygotes.

Submissions (2):

Ambry Genetics
Classification: Uncertain significance for Inborn genetic diseases. Last evaluated: 2025-08-27. Review status: criteria provided, single submitter. Criteria: Ambry Variant Classification Scheme 2023. Collection method: clinical testing. Allele origin: germline.

Labcorp Genetics (formerly Invitae), Labcorp
Classification: Uncertain significance. Last evaluated: 2021-05-17. Review status: criteria provided, single submitter. Criteria: Invitae Variant Classification Sherloc (09022015). Collection method: clinical testing. Allele origin: germline.
Comment: This sequence change replaces glycine with arginine at codon 542 of the COL4A2 protein (p.Gly542Arg). The glycine residue is highly conserved and there is a moderate physicochemical difference between glycine and arginine. This variant is not present in population databases (ExAC no frequency). This variant has been observed in individual(s) with retinal arteriolar tortuosity (invitae). Advanced modeling of protein sequence and biophysical properties (such as structural, functional, and spatial information, amino acid conservation, physicochemical variation, residue mobility, and thermodynamic stability) performed at Invitae indicates that this missense variant is expected to disrupt COL4A2 protein function. In summary, the available evidence is currently insufficient to determine the role of this variant in disease. Therefore, it has been classified as a Variant of Uncertain Significance.